The following is an entry in ClinVar:

ClinVar aggregate classification (germline): Uncertain significance (1 of 4 stars; one submission).

Submission:

CeGaT Center for Human Genetics Tuebingen
Classification: Uncertain significance. Last evaluated: 2026-06-01. Review status: criteria provided, single submitter. Criteria: CeGaT Center For Human Genetics Tuebingen Variant Classification Criteria Version 2. Collection method: clinical testing. Allele origin: germline. Affected: yes. Observed: 1 variant allele.
Comment: PPFIA3: PP2

NM_003660.4(PPFIA3):c.1148C>T (p.Ala383Val)

Gene: PPFIA3 (PPFI scaffold protein A3; plus strand). Cytogenetic location: 19q13.33.
Variant type: single nucleotide variant.
Coding change: c.1148C>T on transcript NM_003660.4 (MANE Select); coding-DNA position 1148, C replaced by T.
Protein change: p.Ala383Val; replaces alanine 383 with valine.
Molecular consequence: missense variant. On other transcripts: non-coding transcript variant (1).
Genome position (GRCh38, 1-based): chr19:49,133,358, C>T. VCF-style: chr19-49133358-C-T. GRCh37 (hg19) VCF-style: chr19-49636615-C-T.
Other names: short protein forms A383V.
Identifiers: ClinVar variation 4873602 (VCV004873602.2).